The following is an entry in ClinVar:

ClinVar aggregate classification (germline): Pathogenic (1 of 4 stars; one submission).

Conditions:
Polycystic kidney disease, adult type (PKD1). Also called: Polycystic Kidney, Autosomal Dominant; POLYCYSTIC KIDNEY DISEASE 1 WITH OR WITHOUT POLYCYSTIC LIVER DISEASE; POLYCYSTIC KIDNEY DISEASE, ADULT, TYPE I; Polycystic Kidney Disease 1, Autosomal Dominant; Polycystic kidney disease 1; Polycystic kidney disease 1, severe. Identifiers: MedGen C3149841, MONDO:0008263, OMIM 173900.

Submission:

Juno Genomics, Hangzhou Juno Genomics, Inc
Classification: Pathogenic for Polycystic kidney disease, adult type. Review status: criteria provided, single submitter. Criteria: ACMG Guidelines, 2015. Collection method: clinical testing. Allele origin: germline. Affected: yes.
Comment: Absent from controls (or at extremely low frequency if recessive) in Genome Aggregation Database, Exome Sequencing Project, 1000 Genomes Project, or Exome Aggregation Consortium.;Null variant in a gene where loss of function (LOF) is a known mechanism of disease.;Patient's phenotype or family history is highly specific for a disease with a single genetic etiology.

NM_001009944.3(PKD1):c.2232del (p.Ala745fs)

Gene: PKD1 (polycystin 1, transient receptor potential channel interacting; minus strand). Cytogenetic location: 16p13.3.
Variant type: Deletion.
Coding change: c.2232del on transcript NM_001009944.3 (MANE Select); coding-DNA position 2232, one base deleted (C; older notation c.2232delC).
Protein change: p.Ala745fs; shifts the reading frame from alanine 745.
Molecular consequence: frameshift variant.
Genome position (GRCh38, 1-based): chr16:2,114,791, G deleted on the plus strand (C on the coding strand, the reverse complement: PKD1 is on the minus strand); the first of 2 consecutive G bases (chr16:2,114,791-2,114,792); deleting either gives the same sequence. VCF-style (leftmost placement, unchanged base first): chr16-2114790-CG-C. GRCh37 (hg19) VCF-style: chr16-2164791-CG-C.
Other names: c.2232del, p.Ala745fs (NM_000296.4); short protein forms A745fs.
Identifiers: ClinVar variation 3335828 (VCV003335828.2).